The following is an entry in ClinVar:

ClinVar aggregate classification (germline): Conflicting classifications of pathogenicity. Review status: criteria provided, conflicting classifications (1 of 4 stars). 7 submissions from 7 submitters: Uncertain significance (1); Benign (2); Likely benign (4). Last evaluated 2026-02-01.

Conditions:
Isolated growth hormone deficiency type IB (IGHD1B). Also called: IGHD IB; IGHD 1B. Identifiers: Orphanet 231671, Orphanet 631, MedGen C2748571, MONDO:0013006, OMIM 612781.

Allele frequency attached by ClinVar (database versions not stated): gnomAD 0.00024 and 0.00042; TOPMed 0.00035; gnomAD exomes 0.00067 and 0.00082; ExAC 0.00096; 1000 Genomes Project 30x 0.00141; 1000 Genomes Project 0.00180.
gnomAD v4.1: 1,039 of 1,614,082 alleles (0.064%); highest among the groups gnomAD compares: East Asian, 1.4%; 5 homozygotes.

Submissions (7):

Labcorp Genetics (formerly Invitae), Labcorp
Classification: Benign. Last evaluated: 2026-02-01. Review status: criteria provided, single submitter. Criteria: Invitae Variant Classification Sherloc (09022015). Collection method: clinical testing. Allele origin: germline.

Women's Health and Genetics/Laboratory Corporation of America, LabCorp
Classification: Likely benign. Last evaluated: 2025-03-24. Review status: criteria provided, single submitter. Criteria: LabCorp Variant Classification Summary - May 2015. Collection method: clinical testing. Allele origin: germline.

Laboratory of Genetics, Children's Clinical University Hospital Latvia
Classification: Likely benign. Last evaluated: 2025-02-16. Review status: criteria provided, single submitter. Criteria: ACMG Guidelines, 2015. Collection method: clinical testing. Allele origin: germline. Affected: yes.

CeGaT Center for Human Genetics Tuebingen
Classification: Likely benign. Last evaluated: 2024-12-01. Review status: criteria provided, single submitter. Criteria: CeGaT Center For Human Genetics Tuebingen Variant Classification Criteria Version 2. Collection method: clinical testing. Allele origin: germline. Affected: yes. Observed: 1 variant allele.
Comment: GHRHR: BP4, BS1

Blueprint Genetics
Classification: Likely benign. Last evaluated: 2024-10-28. Review status: criteria provided, single submitter. Criteria: ACMG Guidelines, 2015. Collection method: clinical testing. Allele origin: germline.

Eurofins Ntd Llc (ga)
Classification: Benign. Last evaluated: 2018-06-05. Review status: criteria provided, single submitter. Criteria: EGL ClinVar v180209 classification definitions. Collection method: clinical testing. Allele origin: germline. Observed: 1 variant allele, 1 heterozygote.

Illumina Laboratory Services, Illumina
Classification: Uncertain significance for Isolated growth hormone deficiency type IB. Last evaluated: 2017-04-28. Review status: criteria provided, single submitter. Criteria: ICSL Variant Classification Criteria 13 December 2019. Collection method: clinical testing. Allele origin: germline.
Comment: This variant was observed as part of a predisposition screen in an ostensibly healthy population. A literature search was performed for the gene, cDNA change, and amino acid change (where applicable). Publications were found based on this search. However, the evidence from the literature, in combination with allele frequency data from public databases where available, was not sufficient to rule this variant in or out of causing disease. Therefore, this variant is classified as a variant of unknown significance.

Literature cited by the submitters: PubMed 21044116 (cited by Illumina Laboratory Services, Illumina).

NM_000823.4(GHRHR):c.660G>A (p.Leu220=)

Gene: GHRHR (growth hormone releasing hormone receptor; plus strand). Cytogenetic location: 7p14.3.
Variant type: single nucleotide variant.
Coding change: c.660G>A on transcript NM_000823.4 (MANE Select); coding-DNA position 660, G replaced by A.
Protein change: p.Leu220=; no amino-acid change (leucine 220 retained).
Molecular consequence: synonymous variant.
Genome position (GRCh38, 1-based): chr7:30,974,047, G>A. VCF-style: chr7-30974047-G-A. GRCh37 (hg19) VCF-style: chr7-31013662-G-A.
Identifiers: ClinVar variation 597235 (VCV000597235.32), dbSNP rs145466944, ClinGen allele CA4208601.
Genomic context (GRCh38, chr7:30,974,047, plus strand): 5'-TCTATGCAAGGTCTCTGTGGCCGCCTCCCATTTCGCCACCATGACCAACTTCAGCTGGCT[G>A]TTGGCAGAAGCCGTCTACCTGAACTGCCTCCTGGCCTCCACCTCCCCCAGCTCAAGGAGA-3'
Protein context (NP_000814.2, residues 210-230): HFATMTNFSW[Leu220=]LAEAVYLNCL